The following is an entry in ClinVar:

NM_003803.4(MYOM1):c.2485A>C (p.Ile829Leu)

Gene: MYOM1 (myomesin 1; minus strand). Cytogenetic location: 18p11.31.
Variant type: single nucleotide variant.
Coding change: c.2485A>C on transcript NM_003803.4 (MANE Select); coding-DNA position 2485, A replaced by C.
Protein change: p.Ile829Leu; replaces isoleucine 829 with leucine.
Molecular consequence: missense variant.
Genome position (GRCh38, 1-based): chr18:3,131,396, T>G on the plus strand (A>C on the coding strand, the complement: MYOM1 is on the minus strand). VCF-style: chr18-3131396-T-G. GRCh37 (hg19) VCF-style: chr18-3131394-T-G.
Other names: c.2485A>C, p.Ile829Leu (NM_019856.2); short protein forms I829L.
Identifiers: ClinVar variation 4707120 (VCV004707120.1).

ClinVar aggregate classification (germline): Uncertain significance (1 of 4 stars; one submission).

Conditions:
Hypertrophic cardiomyopathy. Also called: HYPERTROPHIC MYOCARDIOPATHY. Identifiers: Orphanet 217569, MedGen C0007194, MeSH D002312, MONDO:0005045, HP:0001639.

gnomAD v4.1: 1 of 1,613,834 alleles (0.000062%); highest among the groups gnomAD compares: Non-Finnish European, 0.000085%; no homozygotes.

Submission:

Labcorp Genetics (formerly Invitae), Labcorp
Classification: Uncertain significance for Hypertrophic cardiomyopathy. Last evaluated: 2025-05-28. Review status: criteria provided, single submitter. Criteria: Invitae Variant Classification Sherloc (09022015). Collection method: clinical testing. Allele origin: germline.
Comment: This sequence change replaces isoleucine, which is neutral and non-polar, with leucine, which is neutral and non-polar, at codon 829 of the MYOM1 protein (p.Ile829Leu). This variant is not present in population databases (gnomAD no frequency). This variant has not been reported in the literature in individuals affected with MYOM1-related conditions. Invitae Evidence Modeling of protein sequence and biophysical properties (such as structural, functional, and spatial information, amino acid conservation, physicochemical variation, residue mobility, and thermodynamic stability) indicates that this missense variant is not expected to disrupt MYOM1 protein function with a negative predictive value of 80%. In summary, the available evidence is currently insufficient to determine the role of this variant in disease. Therefore, it has been classified as a Variant of Uncertain Significance.